The following is an entry in ClinVar:

ClinVar aggregate classification (germline): Likely pathogenic (1 of 4 stars; one submission).

Conditions:
Deficiency of steroid 11-beta-monooxygenase (CYP11B1). Also called: ADRENAL HYPERPLASIA, CONGENITAL, DUE TO STEROID 11-BETA-HYDROXYLASE DEFICIENCY; 11-BETA-HYDROXYLASE DEFICIENCY; Congenital adrenal hyperplasia due to 11-beta-hydroxylase deficiency; P450C11B1 DEFICIENCY; STEROID 11-BETA-HYDROXYLASE DEFICIENCY; ADRENAL HYPERPLASIA IV. Identifiers: Orphanet 90795, MedGen C0268292, MONDO:0008729, OMIM 202010. Disease mechanism: loss of function.

Submission:

Myriad Genetics, Inc.
Classification: Likely pathogenic for Deficiency of steroid 11-beta-monooxygenase. Last evaluated: 2022-03-27. Review status: criteria provided, single submitter. Criteria: Myriad Women's Health Autosomal Recessive and X-Linked Classification Criteria (2021). Collection method: clinical testing. Allele origin: unknown.
Comment: NM_000497.3(CYP11B1):c.793_794delCA(Q265Vfs*64) is expected to be pathogenic in the context of congenital adrenal hyperplasia, CYP11B1-related. This variant is predicted to lead to an abnormal or absent protein product due to the creation of a premature termination codon in CYP11B1, a gene where loss-of-function variants are known to be pathogenic. Please note: this variant was assessed in the context of healthy population screening.

NM_000497.4(CYP11B1):c.793_794del (p.Gln265fs)

Genes: CYP11B1 (cytochrome P450 family 11 subfamily B member 1; minus strand), LOC106799833 (CYP11B1 recombination region; plus strand). Cytogenetic location: 8q24.3.
Variant type: Deletion.
Coding change: c.793_794del on transcript NM_000497.4 (MANE Select); coding-DNA positions 793 to 794, 2 bases deleted (CA; older notation c.793_794delCA).
Protein change: p.Gln265fs; shifts the reading frame from glutamine 265.
Molecular consequence: frameshift variant.
Genome position (GRCh38, 1-based): chr8:142,876,687-142,876,688, TG deleted on the plus strand (CA on the coding strand, the reverse complement: CYP11B1 is on the minus strand). VCF-style (leftmost placement, unchanged base first): chr8-142876686-CTG-C. GRCh37 (hg19) VCF-style: chr8-143958102-CTG-C.
Other names: c.793_794del, p.Gln265fs (NM_001026213.1); short protein forms Q265fs.
Identifiers: ClinVar variation 1725479 (VCV001725479.2), dbSNP rs2488678032, ClinGen allele CA2580078663.